The following is an entry in ClinVar:

NM_032578.4(MYPN):c.2869A>G (p.Thr957Ala)

Gene: MYPN (myopalladin; plus strand). Cytogenetic location: 10q21.3.
Variant type: single nucleotide variant.
Coding change: c.2869A>G on transcript NM_032578.4 (MANE Select); coding-DNA position 2869, A replaced by G.
Protein change: p.Thr957Ala; replaces threonine 957 with alanine.
Molecular consequence: missense variant. On other transcripts: non-coding transcript variant (2).
Genome position (GRCh38, 1-based): chr10:68,189,070, A>G. VCF-style: chr10-68189070-A-G. GRCh37 (hg19) VCF-style: chr10-69948827-A-G.
Other names: c.2869A>G, p.Thr957Ala (NM_001256267.2); c.1987A>G, p.Thr663Ala (NM_001256268.2); short protein forms T957A, T663A.
Identifiers: ClinVar variation 566553 (VCV000566553.8), dbSNP rs778178863, ClinGen allele CA208217200.

ClinVar aggregate classification (germline): Uncertain significance. Review status: criteria provided, multiple submitters, no conflicts (2 of 4 stars). 3 submissions from 3 submitters: Uncertain significance (3). Last evaluated 2021-11-30.

Conditions:
Cardiovascular phenotype. Identifiers: MedGen CN230736.
Dilated cardiomyopathy 1KK (CMD1KK). Identifiers: Orphanet 154, Orphanet 75249, MedGen C3714995, MONDO:0014100, OMIM 615248.
Sudden unexplained death. Identifiers: MedGen C0520806.

Allele frequency attached by ClinVar (database versions not stated): gnomAD 0.00001 and 0.00002; gnomAD exomes 0.00001 and 0.00008; TOPMed 0.00002.
gnomAD v4.1: 118 of 1,614,074 alleles (0.0073%); highest among the groups gnomAD compares: Non-Finnish European, 0.0097%; no homozygotes.

Submissions (3):

Labcorp Genetics (formerly Invitae), Labcorp
Classification: Uncertain significance for Dilated cardiomyopathy 1KK. Last evaluated: 2021-11-30. Review status: criteria provided, single submitter. Criteria: Invitae Variant Classification Sherloc (09022015). Collection method: clinical testing. Allele origin: germline.
Comment: This sequence change replaces threonine, which is neutral and polar, with alanine, which is neutral and non-polar, at codon 957 of the MYPN protein (p.Thr957Ala). This variant is present in population databases (rs778178863, gnomAD 0.004%). This variant has not been reported in the literature in individuals affected with MYPN-related conditions. ClinVar contains an entry for this variant (Variation ID: 566553). Algorithms developed to predict the effect of missense changes on protein structure and function (SIFT, PolyPhen-2, Align-GVGD) all suggest that this variant is likely to be tolerated. In summary, the available evidence is currently insufficient to determine the role of this variant in disease. Therefore, it has been classified as a Variant of Uncertain Significance.

Ambry Genetics
Classification: Uncertain significance for Cardiovascular phenotype. Last evaluated: 2020-12-31. Review status: criteria provided, single submitter. Criteria: Ambry Variant Classification Scheme 2023. Collection method: clinical testing. Allele origin: germline.
Comment: The p.T957A variant (also known as c.2869A>G), located in coding exon 12 of the MYPN gene, results from an A to G substitution at nucleotide position 2869. The threonine at codon 957 is replaced by alanine, an amino acid with similar properties. This amino acid position is not well conserved in available vertebrate species. In addition, this alteration is predicted to be tolerated by in silico analysis. Since supporting evidence is limited at this time, the clinical significance of this alteration remains unclear.

Agnes Ginges Centre for Molecular Cardiology, Centenary Institute
Classification: Uncertain significance for Sudden unexplained death. Last evaluated: 2018-03-07. Review status: criteria provided, single submitter. Criteria: ACMG Guidelines, 2015. Collection method: research. Allele origin: germline. Inheritance: Autosomal dominant inheritance. Affected: yes.
Comment: This variant has been identified as part of our research program. Refer to the 'condition' field for the phenotype of the proband(s) identified with this variant. For further information please feel free to contact us.